The following is an entry in ClinVar:

NM_000245.4(MET):c.3522+1G>A

Gene: MET (MET proto-oncogene, receptor tyrosine kinase; plus strand). Cytogenetic location: 7q31.2.
Variant type: single nucleotide variant.
Coding change: c.3522+1G>A on transcript NM_000245.4 (MANE Select); the canonical splice donor site of the intron after coding-DNA position 3522, G replaced by A.
Molecular consequence: splice donor variant.
Genome position (GRCh38, 1-based): chr7:116,778,958, G>A. VCF-style: chr7-116778958-G-A. GRCh37 (hg19) VCF-style: chr7-116419012-G-A.
Other names: c.3576+1G>A (NM_001127500.3); c.2232+1G>A (NM_001324402.2).
Identifiers: ClinVar variation 4106732 (VCV004106732.1).

ClinVar aggregate classification (germline): Uncertain significance (1 of 4 stars; one submission).

Conditions:
Hereditary cancer-predisposing syndrome. Also called: Tumor predisposition; Neoplastic Syndromes, Hereditary; Hereditary neoplastic syndrome; Hereditary Cancer Syndrome. Identifiers: Orphanet 140162, MedGen C0027672, MeSH D009386, MONDO:0015356.

Submission:

Ambry Genetics
Classification: Uncertain significance for Hereditary cancer-predisposing syndrome. Last evaluated: 2025-07-02. Review status: criteria provided, single submitter. Criteria: Ambry Variant Classification Scheme 2023. Collection method: clinical testing. Allele origin: germline.
Comment: The c.3576+1G>A intronic variant results from a G to A substitution one nucleotide after coding exon 16 of the MET gene. This nucleotide position is highly conserved in available vertebrate species. In silico splice site analysis predicts that this alteration will weaken the native splice donor site. Alterations that disrupt the canonical splice site are expected to cause aberrant splicing, resulting in an abnormal protein or a transcript that is subject to nonsense-mediated mRNA decay. However, loss of function of MET has not been established as a mechanism of disease. Based on the available evidence, the clinical significance of this alteration remains unclear.